The following is an entry in ClinVar:

NM_000052.7(ATP7A):c.1864A>G (p.Ile622Val)

Gene: ATP7A (ATPase copper transporting alpha; plus strand). Cytogenetic location: Xq21.1.
Variant type: single nucleotide variant.
Coding change: c.1864A>G on transcript NM_000052.7 (MANE Select); coding-DNA position 1864, A replaced by G.
Protein change: p.Ile622Val; replaces isoleucine 622 with valine.
Molecular consequence: missense variant.
Genome position (GRCh38, 1-based): chrX:78,009,258, A>G. VCF-style: chrX-78009258-A-G. GRCh37 (hg19) VCF-style: chrX-77264755-A-G.
Other names: c.1864A>G, p.Ile622Val (NM_001282224.2); short protein forms I622V.
Identifiers: ClinVar variation 635314 (VCV000635314.4), dbSNP rs1399879043, ClinGen allele CA413597544.

ClinVar aggregate classification (germline): Uncertain significance. Review status: criteria provided, multiple submitters, no conflicts (2 of 4 stars). 3 submissions from 3 submitters: Uncertain significance (3). Last evaluated 2025-11-18.

Conditions:
Menkes kinky-hair syndrome (MNK). Also called: Copper transport disease; Menkes Disease; Classic Menkes Disease. Identifiers: Orphanet 565, MedGen C0022716, MONDO:0010651, OMIM 309400.
Cutis laxa, X-linked (OHS). Also called: Occipital horn syndrome; EDS IX. Identifiers: Orphanet 198, MedGen C0268353, MONDO:0010572, OMIM 304150.
X-linked distal spinal muscular atrophy type 3. Also called: ATP7A-Related Distal Motor Neuropathy; SPINAL MUSCULAR ATROPHY, DISTAL, X-LINKED RECESSIVE; NEURONOPATHY, DISTAL HEREDITARY MOTOR, X-LINKED; NEUROPATHY, DISTAL HEREDITARY MOTOR, X-LINKED. Identifiers: Orphanet 139557, MedGen C1845359, MONDO:0010338, OMIM 300489.

Submissions (3):

Labcorp Genetics (formerly Invitae), Labcorp
Classification: Uncertain significance for X-linked distal spinal muscular atrophy type 3; Cutis laxa, X-linked; Menkes kinky-hair syndrome. Last evaluated: 2025-11-18. Review status: criteria provided, single submitter. Criteria: Invitae Variant Classification Sherloc (09022015). Collection method: clinical testing. Allele origin: germline.
Comment: This sequence change replaces isoleucine, which is neutral and non-polar, with valine, which is neutral and non-polar, at codon 622 of the ATP7A protein (p.Ile622Val). This variant is not present in population databases (gnomAD no frequency). This missense change has been observed in individual(s) with ATP7A-related conditions (PMID: 31319225). ClinVar contains an entry for this variant (Variation ID: 635314). Invitae Evidence Modeling of protein sequence and biophysical properties (such as structural, functional, and spatial information, amino acid conservation, physicochemical variation, residue mobility, and thermodynamic stability) indicates that this missense variant is not expected to disrupt ATP7A protein function with a negative predictive value of 95%. In summary, the available evidence is currently insufficient to determine the role of this variant in disease. Therefore, it has been classified as a Variant of Uncertain Significance.

GeneDx
Classification: Uncertain significance. Last evaluated: 2025-02-09. Review status: criteria provided, single submitter. Criteria: GeneDx Variant Classification Process June 2021. Collection method: clinical testing. Allele origin: germline. Affected: yes.
Comment: Observed in a patient with reported Menkes disease in published literature; however, clinical information was not provided (PMID: 31319225); Not observed at significant frequency in large population cohorts (gnomAD); In silico analysis indicates that this missense variant does not alter protein structure/function; This variant is associated with the following publications: (PMID: 31319225)

Ege University Pediatric Genetics, Ege University
Classification: Uncertain significance for Menkes disease. Last evaluated: 2019-05-15. Review status: criteria provided, single submitter. Criteria: ACMG Guidelines, 2015. Collection method: clinical testing. Allele origin: germline. Affected: yes.

Literature cited by the submitters: PubMed 31319225 (cited by Labcorp Genetics (formerly Invitae), Labcorp and Ege University Pediatric Genetics, Ege University).